The following is an entry in ClinVar:

ClinVar aggregate classification (germline): Benign. Review status: criteria provided, multiple submitters, no conflicts (2 of 4 stars). 6 submissions from 6 submitters: Benign (6). Last evaluated 2026-02-04.

Conditions:
Spermatogenic failure 18. Identifiers: MedGen C4539783, MONDO:0054615, OMIM 617576.
Ciliary dyskinesia, primary, 37 (CILD37). Also called: CILIARY DYSKINESIA, PRIMARY, 37, WITH OR WITHOUT SITUS INVERSUS. Identifiers: MedGen C4539798, MONDO:0033204, OMIM 617577.

Allele frequency attached by ClinVar (database versions not stated): ExAC 0.28960; gnomAD exomes 0.30572 and 0.28724; 1000 Genomes Project 30x 0.19753; 1000 Genomes Project 0.20048; TOPMed 0.22394; gnomAD 0.23926 and 0.24187; ESP Exome Variant Server 0.24219.
gnomAD v4.1: 482,014 of 1,612,634 alleles (30%); highest among the groups gnomAD compares: Middle Eastern, 32%; 75,624 homozygotes.

Submissions (6):

Labcorp Genetics (formerly Invitae), Labcorp
Classification: Benign for Ciliary dyskinesia, primary, 37; Spermatogenic failure 18. Last evaluated: 2026-02-04. Review status: criteria provided, single submitter. Criteria: Invitae Variant Classification Sherloc (09022015). Collection method: clinical testing. Allele origin: germline.

Blueprint Genetics
Classification: Benign. Last evaluated: 2024-11-26. Review status: criteria provided, single submitter. Criteria: ACMG Guidelines, 2015. Collection method: clinical testing. Allele origin: germline.

Mayo Clinic Laboratories, Mayo Clinic
Classification: Benign. Last evaluated: 2022-04-26. Review status: criteria provided, single submitter. Criteria: ACMG Guidelines, 2015. Collection method: clinical testing. Allele origin: germline. Observed: 94 variant alleles.

GeneDx
Classification: Benign. Last evaluated: 2018-07-05. Review status: criteria provided, single submitter. Criteria: GeneDx Variant Classification Process June 2021. Collection method: clinical testing. Allele origin: germline. Affected: yes.

Laboratory for Molecular Medicine, Mass General Brigham Personalized Medicine
Classification: Benign. Last evaluated: 2016-03-29. Review status: criteria provided, single submitter. Criteria: LMM Criteria. Collection method: clinical testing. Allele origin: germline.
Comment: Variant identified in a genome or exome case(s) and assessed due to predicted null impact of the variant or pathogenic assertions in the literature or databases. Disclaimer: This variant has not undergone full assessment. The following are preliminary notes: Frequency

Breakthrough Genomics
Classification: Benign. Review status: criteria provided, single submitter. Criteria: ACMG Guidelines, 2015. Collection method: not provided. Allele origin: germline. Inheritance: Autosomal recessive inheritance. Affected: yes.

NM_015512.5(DNAH1):c.6957C>T (p.His2319=)

Gene: DNAH1 (dynein axonemal heavy chain 1; plus strand). Cytogenetic location: 3p21.1.
Variant type: single nucleotide variant.
Coding change: c.6957C>T on transcript NM_015512.5 (MANE Select); coding-DNA position 6957, C replaced by T.
Protein change: p.His2319=; no amino-acid change (histidine 2319 retained).
Molecular consequence: synonymous variant.
Genome position (GRCh38, 1-based): chr3:52,373,025, C>T. VCF-style: chr3-52373025-C-T. GRCh37 (hg19) VCF-style: chr3-52407041-C-T.
Other names: p.His2319=.
Identifiers: ClinVar variation 402601 (VCV000402601.16), dbSNP rs1546737, ClinGen allele CA2434694.
Genomic context (GRCh38, chr3:52,373,025, plus strand): 5'-GGCCCTGGAGACCTACGGTGCACAGCCACCCATCGAGCTGTTGCGCCAGTGGATGGACCA[C>T]GGCGGCTGGTACGACCGCAAGATCATTGGTGAGTGTGGCCGGCCTGGCTCACAGGGCAAG-3'
Protein context (NP_056327.4, residues 2309-2329): PIELLRQWMD[His2319=]GGWYDRKIIG